The following is an entry in ClinVar:

ClinVar aggregate classification (germline): Uncertain significance (1 of 4 stars; one submission).

Conditions:
Neuromuscular disease caused by qualitative or quantitative defects of dysferlin. Also called: Qualitative or quantitative defects of dysferlin; Dysferlinopathy. Identifiers: Orphanet 207073, MedGen C2931687, MONDO:0016145.

Submission:

Labcorp Genetics (formerly Invitae), Labcorp
Classification: Uncertain significance for Neuromuscular disease caused by qualitative or quantitative defects of dysferlin. Last evaluated: 2021-05-01. Review status: criteria provided, single submitter. Criteria: Invitae Variant Classification Sherloc (09022015). Collection method: clinical testing. Allele origin: germline.
Comment: This sequence change replaces valine with glycine at codon 1823 of the DYSF protein (p.Val1823Gly). The valine residue is highly conserved and there is a moderate physicochemical difference between valine and glycine. This variant is not present in population databases (ExAC no frequency). This variant has not been reported in the literature in individuals with DYSF-related conditions. Advanced modeling of protein sequence and biophysical properties (such as structural, functional, and spatial information, amino acid conservation, physicochemical variation, residue mobility, and thermodynamic stability) performed at Invitae indicates that this missense variant is expected to disrupt DYSF protein function. In summary, the available evidence is currently insufficient to determine the role of this variant in disease. Therefore, it has been classified as a Variant of Uncertain Significance.

NM_001130987.2(DYSF):c.5585T>G (p.Val1862Gly)

Gene: DYSF (dysferlin; plus strand). Cytogenetic location: 2p13.2.
Variant type: single nucleotide variant.
Coding change: c.5585T>G on transcript NM_001130987.2 (MANE Select); coding-DNA position 5585, T replaced by G.
Protein change: p.Val1862Gly; replaces valine 1862 with glycine.
Molecular consequence: missense variant.
Genome position (GRCh38, 1-based): chr2:71,669,150, T>G. VCF-style: chr2-71669150-T-G. GRCh37 (hg19) VCF-style: chr2-71896280-T-G.
Other names: c.5468T>G, p.Val1823Gly (NM_003494.4); c.5426T>G, p.Val1809Gly (NM_001130976.2); c.5489T>G, p.Val1830Gly (NM_001130977.2); c.5531T>G, p.Val1844Gly (NM_001130978.2); c.5561T>G, p.Val1854Gly (NM_001130979.2); c.5519T>G, p.Val1840Gly (NM_001130980.2); c.5582T>G, p.Val1861Gly (NM_001130981.2); c.5564T>G, p.Val1855Gly (NM_001130982.2); and 5 more; short protein forms V1810G, V1831G, V1845G, V1854G, V1861G, V1809G, V1823G, V1830G.
Identifiers: ClinVar variation 1947536 (VCV001947536.2), dbSNP rs886043339, ClinGen allele CA347222841.